The following is an entry in ClinVar:

NM_001083614.2(EARS2):c.1235G>A (p.Arg412His)

Gene: EARS2 (glutamyl-tRNA synthetase 2, mitochondrial; minus strand). Cytogenetic location: 16p12.2.
Variant type: single nucleotide variant.
Coding change: c.1235G>A on transcript NM_001083614.2 (MANE Select); coding-DNA position 1235, G replaced by A.
Protein change: p.Arg412His; replaces arginine 412 with histidine.
Molecular consequence: missense variant. On other transcripts: non-coding transcript variant (1).
Genome position (GRCh38, 1-based): chr16:23,529,619, C>T on the plus strand (G>A on the coding strand, the complement: EARS2 is on the minus strand). VCF-style: chr16-23529619-C-T. GRCh37 (hg19) VCF-style: chr16-23540940-C-T.
Other names: c.1235G>A, p.Arg412His (NM_001308211.1); short protein forms R412H.
Identifiers: ClinVar variation 1342069 (VCV001342069.5), dbSNP rs753827689, ClinGen allele CA7962372.

ClinVar aggregate classification (germline): Uncertain significance. Review status: criteria provided, multiple submitters, no conflicts (2 of 4 stars). 3 submissions from 3 submitters: Uncertain significance (2). 1 of the submissions does not count toward it. Last evaluated 2022-02-18.

Conditions:
Leukoencephalopathy-thalamus and brainstem anomalies-high lactate syndrome. Also called: Combined oxidative phosphorylation deficiency 12; LEUKOENCEPHALOPATHY WITH THALAMUS AND BRAINSTEM INVOLVEMENT AND HIGH LACTATE. Identifiers: Orphanet 314051, MedGen C4706421, MONDO:0013971, OMIM 614924.

Allele frequency attached by ClinVar (database versions not stated): TOPMed below 0.00001; gnomAD exomes 0.00001; ExAC 0.00002.
gnomAD v4.1: 22 of 1,614,018 alleles (0.0014%); highest among the groups gnomAD compares: Non-Finnish European, 0.0016%; no homozygotes.

Submissions (3):

GeneDx
Classification: Uncertain significance. Last evaluated: 2022-02-18. Review status: criteria provided, single submitter. Criteria: GeneDx Variant Classification Process June 2021. Collection method: clinical testing. Allele origin: germline. Affected: yes.
Comment: Not observed at significant frequency in large population cohorts (gnomAD); In silico analysis supports that this missense variant does not alter protein structure/function; Has not been previously published as pathogenic or benign to our knowledge

Blueprint Genetics
Classification: Uncertain significance. Last evaluated: 2021-07-06. Review status: criteria provided, single submitter. Criteria: ACMG Guidelines, 2015. Collection method: clinical testing. Allele origin: germline.

OMIM
Classification: Pathogenic for COMBINED OXIDATIVE PHOSPHORYLATION DEFICIENCY 12. Last evaluated: 2024-01-26. Review status: no assertion criteria provided. Collection method: literature only. Allele origin: germline. Not counted in ClinVar's aggregate classification.

Literature cited by the submitters: PubMed 36349561 (cited by OMIM).